The following is an entry in ClinVar:

ClinVar aggregate classification (germline): Pathogenic (1 of 4 stars; one submission).

Submission:

Labcorp Genetics (formerly Invitae), Labcorp
Classification: Pathogenic. Last evaluated: 2022-03-03. Review status: criteria provided, single submitter. Criteria: Invitae Variant Classification Sherloc (09022015). Collection method: clinical testing. Allele origin: germline.
Comment: For these reasons, this variant has been classified as Pathogenic. This variant has not been reported in the literature in individuals affected with HNF1A-related conditions. This variant is not present in population databases (gnomAD no frequency). This sequence change creates a premature translational stop signal (p.Glu71*) in the HNF1A gene. It is expected to result in an absent or disrupted protein product. Loss-of-function variants in HNF1A are known to be pathogenic (PMID: 15928245, 18003757).

Literature cited by the submitters: PubMed 15928245; PubMed 18003757.

NM_000545.8(HNF1A):c.211G>T (p.Glu71Ter)

Gene: HNF1A (HNF1 homeobox A; plus strand). Cytogenetic location: 12q24.31.
Variant type: single nucleotide variant.
Coding change: c.211G>T on transcript NM_000545.8 (MANE Select); coding-DNA position 211, G replaced by T.
Protein change: p.Glu71Ter; replaces glutamic acid 71 with a stop codon.
Molecular consequence: nonsense.
Genome position (GRCh38, 1-based): chr12:120,978,979, G>T. VCF-style: chr12-120978979-G-T. GRCh37 (hg19) VCF-style: chr12-121416782-G-T.
Other names: c.211G>T, p.Glu71Ter (NM_001306179.2, NM_001406915.1); short protein forms E71*.
Identifiers: ClinVar variation 2086630 (VCV002086630.4), dbSNP rs1447883891, ClinGen allele CA386953723.